The following is an entry in ClinVar:

NM_001330260.2(SCN8A):c.4896A>T (p.Lys1632Asn)

Gene: SCN8A (sodium voltage-gated channel alpha subunit 8; plus strand). Cytogenetic location: 12q13.13.
Variant type: single nucleotide variant.
Coding change: c.4896A>T on transcript NM_001330260.2 (MANE Select); coding-DNA position 4896, A replaced by T.
Protein change: p.Lys1632Asn; replaces lysine 1632 with asparagine.
Molecular consequence: missense variant.
Genome position (GRCh38, 1-based): chr12:51,806,382, A>T. VCF-style: chr12-51806382-A-T. GRCh37 (hg19) VCF-style: chr12-52200166-A-T.
Other names: c.4773A>T, p.Lys1591Asn (NM_001177984.3, NM_001369788.1); c.4896A>T, p.Lys1632Asn (NM_014191.4); short protein forms K1591N, K1632N.
Identifiers: ClinVar variation 2864798 (VCV002864798.3), dbSNP rs2540333763, ClinGen allele CA384880463.
Genomic context (GRCh38, chr12:51,806,382, plus strand): 5'-CCCAACCCTATTCCGAGTCATCCGATTGGCCCGTATTGGGCGCATCTTGCGTCTGATCAA[A>T]GGCGCCAAAGGGATTCGTACCCTGCTCTTTGCCTTAATGATGTCCTTGCCTGCCCTGTTC-3'
Protein context (NP_001317189.1, residues 1622-1642): ARIGRILRLI[Lys1632Asn]GAKGIRTLLF

ClinVar aggregate classification (germline): Uncertain significance (1 of 4 stars; one submission).

Conditions:
Early-infantile DEE. Also called: Ohtahara syndrome; Early infantile epileptic encephalopathy with suppression bursts; Early infantile epileptic encephalopathy. Identifiers: Orphanet 1934, MedGen C0393706, MONDO:0800491.

Submission:

Labcorp Genetics (formerly Invitae), Labcorp
Classification: Uncertain significance for Early-infantile DEE. Last evaluated: 2023-07-19. Review status: criteria provided, single submitter. Criteria: Invitae Variant Classification Sherloc (09022015). Collection method: clinical testing. Allele origin: germline.
Comment: This sequence change replaces lysine, which is basic and polar, with asparagine, which is neutral and polar, at codon 1632 of the SCN8A protein (p.Lys1632Asn). This variant is not present in population databases (gnomAD no frequency). This variant has not been reported in the literature in individuals affected with SCN8A-related conditions. Advanced modeling of protein sequence and biophysical properties (such as structural, functional, and spatial information, amino acid conservation, physicochemical variation, residue mobility, and thermodynamic stability) performed at Invitae indicates that this missense variant is expected to disrupt SCN8A protein function. In summary, the available evidence is currently insufficient to determine the role of this variant in disease. Therefore, it has been classified as a Variant of Uncertain Significance.